The following is an entry in ClinVar:

GRCh37/hg19 5q34(chr5:160715688-160717804)

Gene: GABRB2 (gamma-aminobutyric acid type A receptor subunit beta2; minus strand). Cytogenetic location: 5q34.
Variant type: copy number loss.
Identifiers: ClinVar variation 916010 (VCV000916010.2).

ClinVar aggregate classification (germline): Benign (0 of 4 stars; one submission).

Conditions:
Schizophrenia (SCZD). Identifiers: MedGen C0036341, MeSH D012559, MONDO:0005090, OMIM 181500, HP:0100753.

Submission:

Applied Genomics Center, Hong Kong University of Science and Technology
Classification: Benign for Schizophrenia. Last evaluated: 2019-11-01. Review status: no assertion criteria provided. Collection method: case-control. Allele origin: inherited. Affected: no and yes. Observed: 82 variant alleles.
Comment: This variant is a Benign for Caucasians and for Chinese females and is protective for Chinese males.